The following is an entry in ClinVar:

ClinVar aggregate classification (germline): Conflicting classifications of pathogenicity. Review status: criteria provided, conflicting classifications (1 of 4 stars). 3 submissions from 3 submitters: Uncertain significance (1); Likely benign (2). Last evaluated 2024-05-17.

Conditions:
Joubert syndrome 13 (JBTS13). Identifiers: Orphanet 475, MedGen C3280031, MONDO:0013608, OMIM 614173.

Allele frequency attached by ClinVar (database versions not stated): gnomAD 0.00003 and 0.00004; TOPMed 0.00006; gnomAD exomes 0.00008 and 0.00013; ExAC 0.00016.

Submissions (3):

Blueprint Genetics
Classification: Likely benign. Last evaluated: 2024-05-17. Review status: criteria provided, single submitter. Criteria: ACMG Guidelines, 2015. Collection method: clinical testing. Allele origin: germline.

GeneDx
Classification: Likely benign. Last evaluated: 2018-04-09. Review status: criteria provided, single submitter. Criteria: GeneDx Variant Classification (06012015). Collection method: clinical testing. Allele origin: germline. Affected: yes.
Comment: This variant is considered likely benign or benign based on one or more of the following criteria: it is a conservative change, it occurs at a poorly conserved position in the protein, it is predicted to be benign by multiple in silico algorithms, and/or has population frequency not consistent with disease.

Illumina Laboratory Services, Illumina
Classification: Uncertain significance for Joubert syndrome 13. Last evaluated: 2018-01-15. Review status: criteria provided, single submitter. Criteria: ICSL Variant Classification Criteria 13 December 2019. Collection method: clinical testing. Allele origin: germline.

NM_001082538.3(TCTN1):c.-14G>A

Gene: TCTN1 (tectonic family member 1; plus strand). Cytogenetic location: 12q24.11.
Variant type: single nucleotide variant.
Coding change: c.-14G>A on transcript NM_001082538.3 (MANE Select); 14 bases upstream of the start codon, G replaced by A.
Molecular consequence: 5 prime UTR variant. On other transcripts: non-coding transcript variant (1).
Genome position (GRCh38, 1-based): chr12:110,614,169, G>A. VCF-style: chr12-110614169-G-A. GRCh37 (hg19) VCF-style: chr12-111051974-G-A.
Other names: c.-14G>A (NM_001082537.3, NM_001319680.2, NM_024549.6); c.-243G>A (NM_001173975.3, NM_001319682.3); c.-270G>A (NM_001173976.2); c.-721G>A (NM_001319681.2).
Identifiers: ClinVar variation 681543 (VCV000681543.6), dbSNP rs762612208, ClinGen allele CA6786429.